The following is an entry in ClinVar:

ClinVar aggregate classification (germline): Uncertain significance (1 of 4 stars; one submission).

Conditions:
Joubert syndrome. Also called: CEREBELLOPARENCHYMAL DISORDER IV; JOUBERT-BOLTSHAUSER SYNDROME; Familial aplasia of the vermis. Identifiers: Orphanet 475, MedGen C5979921, MONDO:0018772.
Meckel-Gruber syndrome. Also called: DYSENCEPHALIA SPLANCHNOCYSTICA; GRUBER SYNDROME; Dysencephalia splachnocystica. Identifiers: Orphanet 564, MedGen C0265215, MONDO:0018921.

Allele frequency attached by ClinVar (database versions not stated): gnomAD exomes below 0.00001; ExAC 0.00001.
gnomAD v4.1: 1 of 1,613,688 alleles (0.000062%); highest among the groups gnomAD compares: South Asian, 0.0011%; no homozygotes.

Submission:

Labcorp Genetics (formerly Invitae), Labcorp
Classification: Uncertain significance for Joubert syndrome; Meckel-Gruber syndrome. Last evaluated: 2021-10-24. Review status: criteria provided, single submitter. Criteria: Invitae Variant Classification Sherloc (09022015). Collection method: clinical testing. Allele origin: germline.
Comment: Advanced modeling of protein sequence and biophysical properties (such as structural, functional, and spatial information, amino acid conservation, physicochemical variation, residue mobility, and thermodynamic stability) performed at Invitae indicates that this missense variant is not expected to disrupt MKS1 protein function. In summary, the available evidence is currently insufficient to determine the role of this variant in disease. Therefore, it has been classified as a Variant of Uncertain Significance. This variant has not been reported in the literature in individuals affected with MKS1-related conditions. This variant is present in population databases (rs775805558, ExAC 0.006%). This sequence change replaces threonine with isoleucine at codon 183 of the MKS1 protein (p.Thr183Ile). The threonine residue is highly conserved and there is a moderate physicochemical difference between threonine and isoleucine.

NM_017777.4(MKS1):c.548C>T (p.Thr183Ile)

Gene: MKS1 (MKS transition zone complex subunit 1; minus strand). Cytogenetic location: 17q22.
Variant type: single nucleotide variant.
Coding change: c.548C>T on transcript NM_017777.4 (MANE Select); coding-DNA position 548, C replaced by T.
Protein change: p.Thr183Ile; replaces threonine 183 with isoleucine.
Molecular consequence: missense variant. On other transcripts: 5 prime UTR variant (1).
Genome position (GRCh38, 1-based): chr17:58,214,355, G>A on the plus strand (C>T on the coding strand, the complement: MKS1 is on the minus strand). VCF-style: chr17-58214355-G-A. GRCh37 (hg19) VCF-style: chr17-56291716-G-A.
Other names: c.-62C>T (NM_001321268.2); c.548C>T, p.Thr183Ile (NM_001321269.2, NM_001330397.2); short protein forms T183I.
Identifiers: ClinVar variation 1387752 (VCV001387752.6), dbSNP rs775805558, ClinGen allele CA8669470.